The following is an entry in ClinVar:

NM_000143.4(FH):c.124G>A (p.Ala42Thr)

Gene: FH (fumarate hydratase; minus strand). Cytogenetic location: 1q43.
Variant type: single nucleotide variant.
Coding change: c.124G>A on transcript NM_000143.4 (MANE Select); coding-DNA position 124, G replaced by A.
Protein change: p.Ala42Thr; replaces alanine 42 with threonine.
Molecular consequence: missense variant.
Genome position (GRCh38, 1-based): chr1:241,519,599, C>T on the plus strand (G>A on the coding strand, the complement: FH is on the minus strand). VCF-style: chr1-241519599-C-T. GRCh37 (hg19) VCF-style: chr1-241682899-C-T.
Other names: short protein forms A42T.
Identifiers: ClinVar variation 1919340 (VCV001919340.5), dbSNP rs2147926832, ClinGen allele CA345442632.

ClinVar aggregate classification (germline): Uncertain significance (1 of 4 stars; one submission).

Submission:

Labcorp Genetics (formerly Invitae), Labcorp
Classification: Uncertain significance. Last evaluated: 2022-10-20. Review status: criteria provided, single submitter. Criteria: Invitae Variant Classification Sherloc (09022015). Collection method: clinical testing. Allele origin: germline.
Comment: This variant is not present in population databases (gnomAD no frequency). In summary, the available evidence is currently insufficient to determine the role of this variant in disease. Therefore, it has been classified as a Variant of Uncertain Significance. Advanced modeling of protein sequence and biophysical properties (such as structural, functional, and spatial information, amino acid conservation, physicochemical variation, residue mobility, and thermodynamic stability) performed at Invitae indicates that this missense variant is not expected to disrupt FH protein function. This variant has not been reported in the literature in individuals affected with FH-related conditions. This sequence change replaces alanine, which is neutral and non-polar, with threonine, which is neutral and polar, at codon 42 of the FH protein (p.Ala42Thr).